The following is an entry in ClinVar:

NM_004984.4(KIF5A):c.2538+5G>C

Gene: KIF5A (kinesin family member 5A; plus strand). Cytogenetic location: 12q13.3.
Variant type: single nucleotide variant.
Coding change: c.2538+5G>C on transcript NM_004984.4 (MANE Select); 5 bases into the intron after coding-DNA position 2538, G replaced by C.
Molecular consequence: intron variant.
Genome position (GRCh38, 1-based): chr12:57,578,347, G>C. VCF-style: chr12-57578347-G-C. GRCh37 (hg19) VCF-style: chr12-57972130-G-C.
Other names: c.2271+5G>C (NM_001354705.2).
Identifiers: ClinVar variation 1485996 (VCV001485996.6), dbSNP rs2140169708, ClinGen allele CA2573148854.

ClinVar aggregate classification (germline): Uncertain significance (1 of 4 stars; one submission).

Conditions:
Spastic paraplegia. Identifiers: MedGen C0037772, HP:0001258.

Submission:

Labcorp Genetics (formerly Invitae), Labcorp
Classification: Uncertain significance for Spastic paraplegia. Last evaluated: 2021-11-01. Review status: criteria provided, single submitter. Criteria: Invitae Variant Classification Sherloc (09022015). Collection method: clinical testing. Allele origin: germline.
Comment: In summary, the available evidence is currently insufficient to determine the role of this variant in disease. Therefore, it has been classified as a Variant of Uncertain Significance. This sequence change falls in intron 23 of the KIF5A gene. It does not directly change the encoded amino acid sequence of the KIF5A protein. It affects a nucleotide within the consensus splice site. This variant is not present in population databases (gnomAD no frequency). This variant has not been reported in the literature in individuals affected with KIF5A-related conditions. Variants that disrupt the consensus splice site are a relatively common cause of aberrant splicing (PMID: 17576681, 9536098). Algorithms developed to predict the effect of sequence changes on RNA splicing suggest that this variant may disrupt the consensus splice site.

Literature cited by the submitters: PubMed 17576681; PubMed 9536098.